The following is an entry in ClinVar:

ClinVar aggregate classification (germline): Uncertain significance (1 of 4 stars; one submission).

Conditions:
Neuronal ceroid lipofuscinosis. Also called: Neuronal Ceroid Lipofuscinoses. Identifiers: Orphanet 216, Orphanet 79263, MedGen C0027877, MONDO:0016295. Disease mechanism: loss of function.

Allele frequency attached by ClinVar (database versions not stated): ExAC 0.00002; gnomAD exomes 0.00003 and 0.00005; TOPMed 0.00003; gnomAD 0.00005.
gnomAD v4.1: 83 of 1,612,914 alleles (0.0051%); highest among the groups gnomAD compares: Non-Finnish European, 0.0061%; no homozygotes.

Submission:

Labcorp Genetics (formerly Invitae), Labcorp
Classification: Uncertain significance for Neuronal ceroid lipofuscinosis. Last evaluated: 2022-04-08. Review status: criteria provided, single submitter. Criteria: Invitae Variant Classification Sherloc (09022015). Collection method: clinical testing. Allele origin: germline.
Comment: This sequence change falls in intron 8 of the CTSD gene. It does not directly change the encoded amino acid sequence of the CTSD protein. It affects a nucleotide within the consensus splice site. This variant is present in population databases (rs759803379, gnomAD 0.02%). This variant has not been reported in the literature in individuals affected with CTSD-related conditions. ClinVar contains an entry for this variant (Variation ID: 409621). Variants that disrupt the consensus splice site are a relatively common cause of aberrant splicing (PMID: 17576681, 9536098). Algorithms developed to predict the effect of sequence changes on RNA splicing suggest that this variant is not likely to affect RNA splicing. In summary, the available evidence is currently insufficient to determine the role of this variant in disease. Therefore, it has been classified as a Variant of Uncertain Significance.

Literature cited by the submitters: PubMed 17576681; PubMed 9536098.

NM_001909.5(CTSD):c.1071+6C>T

Gene: CTSD (cathepsin D; minus strand). Cytogenetic location: 11p15.5.
Variant type: single nucleotide variant.
Coding change: c.1071+6C>T on transcript NM_001909.5 (MANE Select); 6 bases into the intron after coding-DNA position 1071, C replaced by T.
Molecular consequence: intron variant.
Genome position (GRCh38, 1-based): chr11:1,753,797, G>A on the plus strand (C>T on the coding strand, the complement: CTSD is on the minus strand). VCF-style: chr11-1753797-G-A. GRCh37 (hg19) VCF-style: chr11-1775027-G-A.
Identifiers: ClinVar variation 409621 (VCV000409621.4), dbSNP rs759803379, ClinGen allele CA5813943.